The following is an entry in ClinVar:

NM_004104.5(FASN):c.1213A>G (p.Arg405Gly)

Gene: FASN (fatty acid synthase; minus strand). Cytogenetic location: 17q25.3.
Variant type: single nucleotide variant.
Coding change: c.1213A>G on transcript NM_004104.5 (MANE Select); coding-DNA position 1213, A replaced by G.
Protein change: p.Arg405Gly; replaces arginine 405 with glycine.
Molecular consequence: missense variant.
Genome position (GRCh38, 1-based): chr17:82,091,501, T>C on the plus strand (A>G on the coding strand, the complement: FASN is on the minus strand). VCF-style: chr17-82091501-T-C. GRCh37 (hg19) VCF-style: chr17-80049377-T-C.
Other names: short protein forms R405G.
Identifiers: ClinVar variation 566299 (VCV000566299.8), dbSNP rs780441119, ClinGen allele CA8853228.
Genomic context (GRCh38, chr17:82,091,501, plus strand): 5'-GCAGCAGACGGGGCAGGGTGGCATGTGGGGCGGGTGCGGGGGGCGGCTGCGTGTTGGGCC[T>C]CAGGATGATGTGCACGTTGGAGCCCCCGAAGCCAAAGGAGTTGATGCCCACGTTGCCGCC-3'
Protein context (NP_004095.4, residues 395-415): FGGSNVHIIL[Arg405Gly]PNTQPPPAPA

ClinVar aggregate classification (germline): Uncertain significance (1 of 4 stars; one submission).

Conditions:
Epileptic encephalopathy. Identifiers: MedGen C0543888, HP:0200134.

Allele frequency attached by ClinVar (database versions not stated): ExAC 0.00007; gnomAD 0.00001; gnomAD exomes 0.00002 and 0.00003.
gnomAD v4.1: 25 of 1,604,940 alleles (0.0016%); highest among the groups gnomAD compares: Non-Finnish European, 0.0017%; no homozygotes.

Submission:

Labcorp Genetics (formerly Invitae), Labcorp
Classification: Uncertain significance for Epileptic encephalopathy. Last evaluated: 2018-01-28. Review status: criteria provided, single submitter. Criteria: Invitae Variant Classification Sherloc (09022015). Collection method: clinical testing. Allele origin: germline.
Comment: In summary, the available evidence is currently insufficient to determine the role of this variant in disease. Therefore, it has been classified as a Variant of Uncertain Significance. Algorithms developed to predict the effect of missense changes on protein structure and function do not agree on the potential impact of this missense change (SIFT: "Deleterious"; PolyPhen-2: "Benign"; Align-GVGD: "Class C0"). This variant has not been reported in the literature in individuals with FASN-related disease. This variant is present in population databases (rs780441119, ExAC 0.01%). This sequence change replaces arginine with glycine at codon 405 of the FASN protein (p.Arg405Gly). The arginine residue is weakly conserved and there is a moderate physicochemical difference between arginine and glycine.